The following is an entry in ClinVar:

NM_001447.3(FAT2):c.10616C>T (p.Thr3539Ile)

Genes: FAT2 (FAT atypical cadherin 2; minus strand), SLC36A1 (solute carrier family 36 member 1; plus strand). Cytogenetic location: 5q33.1.
Variant type: single nucleotide variant.
Coding change: c.10616C>T on transcript NM_001447.3 (MANE Select); coding-DNA position 10616, C replaced by T.
Protein change: p.Thr3539Ile; replaces threonine 3539 with isoleucine.
Molecular consequence: missense variant.
Genome position (GRCh38, 1-based): chr5:151,521,977, G>A on the plus strand (C>T on the coding strand, the complement: FAT2 is on the minus strand). VCF-style: chr5-151521977-G-A. GRCh37 (hg19) VCF-style: chr5-150901538-G-A.
Other names: short protein forms T3539I.
Identifiers: ClinVar variation 2069946 (VCV002069946.6), dbSNP rs200129827, ClinGen allele CA3520200.

ClinVar aggregate classification (germline): Uncertain significance. Review status: criteria provided, multiple submitters, no conflicts (2 of 4 stars). 2 submissions from 2 submitters: Uncertain significance (2). Last evaluated 2025-08-20.

Allele frequency attached by ClinVar (database versions not stated): ExAC 0.00003; gnomAD exomes 0.00004; 1000 Genomes Project 0.00020; gnomAD 0.00031; TOPMed 0.00079.
gnomAD v4.1: 90 of 1,614,208 alleles (0.0056%); highest among the groups gnomAD compares: Admixed American, 0.11%; no homozygotes.

Submissions (2):

Labcorp Genetics (formerly Invitae), Labcorp
Classification: Uncertain significance. Last evaluated: 2025-08-20. Review status: criteria provided, single submitter. Criteria: Invitae Variant Classification Sherloc (09022015). Collection method: clinical testing. Allele origin: germline.
Comment: This sequence change replaces threonine, which is neutral and polar, with isoleucine, which is neutral and non-polar, at codon 3539 of the FAT2 protein (p.Thr3539Ile). This variant is present in population databases (rs200129827, gnomAD 0.02%). This variant has not been reported in the literature in individuals affected with FAT2-related conditions. ClinVar contains an entry for this variant (Variation ID: 2069946). An algorithm developed to predict the effect of missense changes on protein structure and function (PolyPhen-2) suggests that this variant is likely to be disruptive. In summary, the available evidence is currently insufficient to determine the role of this variant in disease. Therefore, it has been classified as a Variant of Uncertain Significance.

Ambry Genetics
Classification: Uncertain significance. Last evaluated: 2024-12-10. Review status: criteria provided, single submitter. Criteria: Ambry Variant Classification Scheme 2023. Collection method: clinical testing. Allele origin: germline.